The following is an entry in ClinVar:

ClinVar aggregate classification (germline): Uncertain significance (1 of 4 stars; one submission).

gnomAD v4.1: 4 of 1,613,732 alleles (0.00025%); highest among the groups gnomAD compares: Non-Finnish European, 0.00025%; no homozygotes.

Submission:

Labcorp Genetics (formerly Invitae), Labcorp
Classification: Uncertain significance. Last evaluated: 2024-08-05. Review status: criteria provided, single submitter. Criteria: Invitae Variant Classification Sherloc (09022015). Collection method: clinical testing. Allele origin: germline.
Comment: This sequence change falls in intron 11 of the DSCAML1 gene. It does not directly change the encoded amino acid sequence of the DSCAML1 protein. It affects a nucleotide within the consensus splice site. This variant is present in population databases (rs371637278, gnomAD 0.002%). This variant has not been reported in the literature in individuals affected with DSCAML1-related conditions. ClinVar contains an entry for this variant (Variation ID: 1944702). Variants that disrupt the consensus splice site are a relatively common cause of aberrant splicing (PMID: 17576681, 9536098). Algorithms developed to predict the effect of sequence changes on RNA splicing suggest that this variant may disrupt the consensus splice site. In summary, the available evidence is currently insufficient to determine the role of this variant in disease. Therefore, it has been classified as a Variant of Uncertain Significance.

Literature cited by the submitters: PubMed 17576681; PubMed 9536098.

NM_020693.4(DSCAML1):c.2360-3C>G

Gene: DSCAML1 (DS cell adhesion molecule like 1; minus strand). Cytogenetic location: 11q23.3.
Variant type: single nucleotide variant.
Coding change: c.2360-3C>G on transcript NM_020693.4 (MANE Select); 3 bases into the intron before coding-DNA position 2360, C replaced by G.
Molecular consequence: intron variant.
Genome position (GRCh38, 1-based): chr11:117,482,165, G>C on the plus strand (C>G on the coding strand, the complement: DSCAML1 is on the minus strand). VCF-style: chr11-117482165-G-C. GRCh37 (hg19) VCF-style: chr11-117352880-G-C.
Other names: c.2360-3C>G (NM_001367904.1).
Identifiers: ClinVar variation 1944702 (VCV001944702.5), dbSNP rs371637278, ClinGen allele CA6297031.